The following is an entry in ClinVar:

ClinVar aggregate classification (germline): Uncertain significance (1 of 4 stars; one submission).

Conditions:
Inborn genetic diseases. Identifiers: MedGen C0950123, MeSH D030342.

Submission:

Ambry Genetics
Classification: Uncertain significance for Inborn genetic diseases. Last evaluated: 2026-07-14. Review status: criteria provided, single submitter. Criteria: Ambry Variant Classification Scheme 2023. Collection method: clinical testing. Allele origin: germline.
Comment: The p.G92R variant (also known as c.274G>C), located in coding exon 1 of the KDM1A gene, results from a G to C substitution at nucleotide position 274. The glycine at codon 92 is replaced by arginine, an amino acid with dissimilar properties. This amino acid position is conserved. In addition, this alteration is predicted to be tolerated by in silico analysis. Based on the available evidence, the clinical significance of this variant remains unclear.

NM_001009999.3(KDM1A):c.274G>C (p.Gly92Arg)

Gene: KDM1A (lysine demethylase 1A; plus strand). Cytogenetic location: 1p36.12.
Variant type: single nucleotide variant.
Coding change: c.274G>C on transcript NM_001009999.3 (MANE Select); coding-DNA position 274, G replaced by C.
Protein change: p.Gly92Arg; replaces glycine 92 with arginine.
Molecular consequence: missense variant.
Genome position (GRCh38, 1-based): chr1:23,019,870, G>C. VCF-style: chr1-23019870-G-C. GRCh37 (hg19) VCF-style: chr1-23346363-G-C.
Other names: c.274G>C, p.Gly92Arg (NM_015013.4, NM_001363654.2, NM_001410762.1 and 1 more transcripts); short protein forms G92R.
Identifiers: ClinVar variation 5023072 (VCV005023072.1).